The following is an entry in ClinVar:

ClinVar aggregate classification (germline): Uncertain significance (1 of 4 stars; one submission).

Allele frequency attached by ClinVar (database versions not stated): gnomAD exomes below 0.00001.
gnomAD v4.1: 2 of 1,614,172 alleles (0.00012%); highest among the groups gnomAD compares: Admixed American, 0.0017%; no homozygotes.

Submission:

Labcorp Genetics (formerly Invitae), Labcorp
Classification: Uncertain significance. Last evaluated: 2022-04-15. Review status: criteria provided, single submitter. Criteria: Invitae Variant Classification Sherloc (09022015). Collection method: clinical testing. Allele origin: germline.
Comment: This sequence change replaces proline, which is neutral and non-polar, with serine, which is neutral and polar, at codon 664 of the COL4A3 protein (p.Pro664Ser). This variant is present in population databases (no rsID available, gnomAD 0.003%). This variant has not been reported in the literature in individuals affected with COL4A3-related conditions. Advanced modeling of protein sequence and biophysical properties (such as structural, functional, and spatial information, amino acid conservation, physicochemical variation, residue mobility, and thermodynamic stability) performed at Invitae indicates that this missense variant is not expected to disrupt COL4A3 protein function. In summary, the available evidence is currently insufficient to determine the role of this variant in disease. Therefore, it has been classified as a Variant of Uncertain Significance.

NM_000091.5(COL4A3):c.1990C>T (p.Pro664Ser)

Genes: COL4A3 (collagen type IV alpha 3 chain; plus strand), MFF-DT (MFF divergent transcript; minus strand). Cytogenetic location: 2q36.3.
Variant type: single nucleotide variant.
Coding change: c.1990C>T on transcript NM_000091.5 (MANE Select); coding-DNA position 1990, C replaced by T.
Protein change: p.Pro664Ser; replaces proline 664 with serine.
Molecular consequence: missense variant.
Genome position (GRCh38, 1-based): chr2:227,276,447, C>T. VCF-style: chr2-227276447-C-T. GRCh37 (hg19) VCF-style: chr2-228141163-C-T.
Other names: short protein forms P664S.
Identifiers: ClinVar variation 2169165 (VCV002169165.1), dbSNP rs1168872602, ClinGen allele CA350846378.